The following is an entry in ClinVar:

NM_001985.3(ETFB):c.22G>C (p.Val8Leu)

Gene: ETFB (electron transfer flavoprotein subunit beta; minus strand). Cytogenetic location: 19q13.41.
Variant type: single nucleotide variant.
Coding change: c.22G>C on transcript NM_001985.3 (MANE Select); coding-DNA position 22, G replaced by C.
Protein change: p.Val8Leu; replaces valine 8 with leucine.
Molecular consequence: missense variant.
Genome position (GRCh38, 1-based): chr19:51,366,305, C>G on the plus strand (G>C on the coding strand, the complement: ETFB is on the minus strand). VCF-style: chr19-51366305-C-G. GRCh37 (hg19) VCF-style: chr19-51869559-C-G.
Other names: short protein forms V8L.
Identifiers: ClinVar variation 2419350 (VCV002419350.6), dbSNP rs531136177, ClinGen allele CA407087306.

ClinVar aggregate classification (germline): Uncertain significance (1 of 4 stars; one submission).

Conditions:
Multiple acyl-CoA dehydrogenase deficiency (MADD). Also called: Glutaric aciduria, type 2; Glutaric acidemia type II; GA 2; ETHYLMALONIC-ADIPICACIDURIA; GA II; Glutaric Acidemia type 2. Identifiers: Orphanet 26791, MedGen C0268596, MONDO:0009282, OMIM 231680.

Submission:

Labcorp Genetics (formerly Invitae), Labcorp
Classification: Uncertain significance for Multiple acyl-CoA dehydrogenase deficiency. Last evaluated: 2024-08-30. Review status: criteria provided, single submitter. Criteria: Invitae Variant Classification Sherloc (09022015). Collection method: clinical testing. Allele origin: germline.
Comment: This sequence change replaces valine, which is neutral and non-polar, with leucine, which is neutral and non-polar, at codon 8 of the ETFB protein (p.Val8Leu). This variant is not present in population databases (gnomAD no frequency). This variant has not been reported in the literature in individuals affected with ETFB-related conditions. ClinVar contains an entry for this variant (Variation ID: 2419350). Invitae Evidence Modeling of protein sequence and biophysical properties (such as structural, functional, and spatial information, amino acid conservation, physicochemical variation, residue mobility, and thermodynamic stability) indicates that this missense variant is expected to disrupt ETFB protein function with a positive predictive value of 80%. In summary, the available evidence is currently insufficient to determine the role of this variant in disease. Therefore, it has been classified as a Variant of Uncertain Significance.